The following is an entry in ClinVar:

NM_001077365.2(POMT1):c.145del (p.Gln49fs)

Gene: POMT1 (protein O-mannosyltransferase 1; plus strand). Cytogenetic location: 9q34.13.
Variant type: Deletion.
Coding change: c.145del on transcript NM_001077365.2 (MANE Select); coding-DNA position 145, one base deleted (C; older notation c.145delC).
Protein change: p.Gln49fs; shifts the reading frame from glutamine 49.
Molecular consequence: frameshift variant. On other transcripts: 5 prime UTR variant (6), non-coding transcript variant (7), intron variant (8).
Genome position (GRCh38, 1-based): chr9:131,506,136, C deleted. VCF-style (leftmost placement, unchanged base first): chr9-131506135-GC-G. GRCh37 (hg19) VCF-style: chr9-134381522-GC-G.
Other names: c.-18del (NM_001353197.2, NM_001353198.2, NM_001374689.1 and 3 more transcripts); c.145del, p.Gln49fs (NM_001136113.2, NM_001353193.2, NM_001374690.1 and 1 more transcripts); c.-71-1232del (NM_001374691.1, NM_001374692.1); c.123-267del (NM_001353196.2); c.-122-267del (NM_001353195.2, NM_001353199.2, NM_001136114.2); c.-30+1796del (NM_001374695.1); c.-80-267del (NM_001353200.2); short protein forms Q49fs.
Identifiers: ClinVar variation 2020409 (VCV002020409.4), dbSNP rs2539054352, ClinGen allele CA2580079909.
Genomic context (GRCh38, chr9:131,506,135, plus strand): 5'-CTAATTGAATATAATATGGGTTGTTGTTTTTTTTTCTAGTTTTGACGAAGTATATTATGG[GC>G]AGTACATCTCTTTTTACATGAAACAAATCTTCTTCTTGGATGACAGTGGGCCGCCATTTG-3'

ClinVar aggregate classification (germline): Pathogenic (1 of 4 stars; one submission).

Conditions:
Walker-Warburg congenital muscular dystrophy. Also called: Muscular dystrophy-dystroglycanopathy, type A; Walker-Warburg syndrome. Identifiers: Orphanet 899, MedGen C0265221, MONDO:0000171.
Muscular dystrophy-dystroglycanopathy (congenital with impaired intellectual development), type B, 1. Also called: MUSCULAR DYSTROPHY, CONGENITAL, POMT1-RELATED; Muscular dystrophy-dystroglycanopathy (congenital with intellectual disability), type B1. Identifiers: MedGen C5436962, MONDO:0013159, OMIM 613155.
Autosomal recessive limb-girdle muscular dystrophy type 2K. Also called: MUSCULAR DYSTROPHY-DYSTROGLYCANOPATHY (LIMB-GIRDLE), TYPE C, 1; MUSCULAR DYSTROPHY, LIMB-GIRDLE, TYPE 2K. Identifiers: Orphanet 86812, MedGen C1836373, MONDO:0012248, OMIM 609308.

Submission:

Labcorp Genetics (formerly Invitae), Labcorp
Classification: Pathogenic for Muscular dystrophy-dystroglycanopathy (congenital with impaired intellectual development), type B, 1; Walker-Warburg congenital muscular dystrophy; Autosomal recessive limb-girdle muscular dystrophy type 2K. Last evaluated: 2024-10-24. Review status: criteria provided, single submitter. Criteria: Invitae Variant Classification Sherloc (09022015). Collection method: clinical testing. Allele origin: germline.
Comment: This sequence change creates a premature translational stop signal (p.Gln49Serfs*7) in the POMT1 gene. It is expected to result in an absent or disrupted protein product. Loss-of-function variants in POMT1 are known to be pathogenic (PMID: 12369018, 15637732, 16575835). This variant is not present in population databases (gnomAD no frequency). This variant has not been reported in the literature in individuals affected with POMT1-related conditions. ClinVar contains an entry for this variant (Variation ID: 2020409). For these reasons, this variant has been classified as Pathogenic.

Literature cited by the submitters: PubMed 12369018; PubMed 15637732; PubMed 16575835.